The following is an entry in ClinVar:

ClinVar aggregate classification (germline): Uncertain significance (1 of 4 stars; one submission).

Submission:

CeGaT Center for Human Genetics Tuebingen
Classification: Uncertain significance. Last evaluated: 2024-11-01. Review status: criteria provided, single submitter. Criteria: CeGaT Center For Human Genetics Tuebingen Variant Classification Criteria Version 2. Collection method: clinical testing. Allele origin: germline. Affected: yes. Observed: 1 variant allele.
Comment: PKD1: PM2, BP4

NM_001009944.3(PKD1):c.3397G>A (p.Val1133Met)

Gene: PKD1 (polycystin 1, transient receptor potential channel interacting; minus strand). Cytogenetic location: 16p13.3.
Variant type: single nucleotide variant.
Coding change: c.3397G>A on transcript NM_001009944.3 (MANE Select); coding-DNA position 3397, G replaced by A.
Protein change: p.Val1133Met; replaces valine 1133 with methionine.
Molecular consequence: missense variant.
Genome position (GRCh38, 1-based): chr16:2,111,770, C>T on the plus strand (G>A on the coding strand, the complement: PKD1 is on the minus strand). VCF-style: chr16-2111770-C-T. GRCh37 (hg19) VCF-style: chr16-2161771-C-T.
Other names: c.3397G>A, p.Val1133Met (NM_000296.4); short protein forms V1133M.
Identifiers: ClinVar variation 3390130 (VCV003390130.14).